The following is an entry in ClinVar:

NM_001771.4(CD22):c.1552G>A (p.Glu518Lys)

Gene: CD22 (CD22 molecule; plus strand). Cytogenetic location: 19q13.12.
Variant type: single nucleotide variant.
Coding change: c.1552G>A on transcript NM_001771.4 (MANE Select); coding-DNA position 1552, G replaced by A.
Protein change: p.Glu518Lys; replaces glutamic acid 518 with lysine.
Molecular consequence: missense variant.
Genome position (GRCh38, 1-based): chr19:35,341,387, G>A. VCF-style: chr19-35341387-G-A. GRCh37 (hg19) VCF-style: chr19-35832290-G-A.
Other names: c.1288G>A, p.Glu430Lys (NM_001185099.2); c.1552G>A, p.Glu518Lys (NM_001185100.2); c.1021G>A, p.Glu341Lys (NM_001185101.2); c.1036G>A, p.Glu346Lys (NM_001278417.2); short protein forms E341K, E346K, E430K, E518K.
Identifiers: ClinVar variation 625910 (VCV000625910.2), dbSNP rs747460337, ClinGen allele CA9376884.

ClinVar aggregate classification (germline): Uncertain significance (1 of 4 stars; one submission).

Allele frequency attached by ClinVar (database versions not stated): gnomAD exomes below 0.00001; TOPMed below 0.00001; ExAC 0.00001.
gnomAD v4.1: 6 of 1,613,582 alleles (0.00037%); highest among the groups gnomAD compares: Admixed American, 0.0017%; no homozygotes.

Submission:

Center for Genomics, Ann and Robert H. Lurie Children's Hospital of Chicago
Classification: Uncertain significance. Last evaluated: 2021-03-30. Review status: criteria provided, single submitter. Criteria: ACMG Guidelines, 2015. Collection method: clinical testing. Allele origin: germline.
Comment: CD22:NM_001185101:exon6, p.Glu341Lys (c.1021G>A): This variant has not been reported in the literature but is present in 3/33560 Latino chromosomes in the Genome Aggregation Database. This variant is present in 1 other species (Squirrel monkey), suggesting that this variant may not impact the protein, but additional computational prediction tool are limited for this variant. In summary, data on this variant is insufficient for disease classification. Therefore, the clinical significance of this variant is uncertain.